The following is an entry in ClinVar:

NM_183357.3(ADCY5):c.2080_2088del (p.Lys694_Met696del)

Gene: ADCY5 (adenylate cyclase 5; minus strand). Cytogenetic location: 3q21.1.
Variant type: Deletion.
Coding change: c.2080_2088del on transcript NM_183357.3 (MANE Select); coding-DNA positions 2080 to 2088, 9 bases deleted (AAGCGGATG; older notation c.2080_2088delAAGCGGATG).
Protein change: p.Lys694_Met696del.
Molecular consequence: inframe deletion.
Genome position (GRCh38, 1-based): chr3:123,325,322-123,325,330, CATCCGCTT deleted on the plus strand (AAGCGGATG on the coding strand, the reverse complement: ADCY5 is on the minus strand); deleting any 9 consecutive bases within chr3:123,325,322-123,325,334 gives the same sequence; the c. name uses the placement nearest the transcript's 3' end. VCF-style (leftmost placement, unchanged base first): chr3-123325321-CCATCCGCTT-C. GRCh37 (hg19) VCF-style: chr3-123044168-CCATCCGCTT-C.
Other names: c.1030_1038del, p.Lys344_Met346del (NM_001199642.1); c.2080_2088del, p.Lys694_Met696del (NM_001378259.1).
Identifiers: ClinVar variation 1188830 (VCV001188830.1), dbSNP rs2108372267, ClinGen allele CA2499216418.

ClinVar aggregate classification (germline): Pathogenic (0 of 4 stars; one submission).

Conditions:
Dyskinesia with orofacial involvement, autosomal dominant (DSKOD). Also called: Familial dyskinesia and facial myokymia; Familial Dyskinesia with Facial Myokymia (FDFM); Dyskinesia, familial, with facial myokymia. Identifiers: Orphanet 324588, MedGen C1847627, MONDO:0800028, OMIM 606703.

Submission:

Gene Discovery Core-Manton Center, Boston Children's Hospital
Classification: Pathogenic for Dyskinesia with orofacial involvement, autosomal dominant. Last evaluated: 2020-02-14. Review status: no assertion criteria provided. Collection method: research. Allele origin: de novo. Affected: yes.
Comment: This variant is interpretted as Pathogenic for chronic hyperkinetic movement disorder, Autosomal Dominant. The following ACMG Tag(s) were applied: PS2 - De novo (both maternity and paternity confirmed) in a patient with the disease and no family history. PM1 - Located in a mutational hot spot and/or critical and well-established functional domain without benign variation. PM2 - Absent from controls (or at extremely low frequency if recessive) in Exome Sequencing Project, 1000 Genomes Project, or Exome Aggregation Consortium. PM4 - Protein length changes as a result of in-frame deletions/insertions in a nonrepeat region or stop-loss variants. PP3 - Multiple lines of computational evidence support a deleterious effect on the gene or gene product.